The following is an entry in ClinVar:

ClinVar aggregate classification (germline): Pathogenic/Likely pathogenic. Review status: criteria provided, multiple submitters, no conflicts (2 of 4 stars). 5 submissions from 5 submitters: Pathogenic (3); Likely pathogenic (2). Last evaluated 2025-11-24.

Conditions:
Hereditary cancer-predisposing syndrome. Also called: Tumor predisposition; Hereditary Cancer Syndrome; Hereditary neoplastic syndrome; Neoplastic Syndromes, Hereditary. Identifiers: Orphanet 140162, MedGen C0027672, MeSH D009386, MONDO:0015356.
Hereditary nonpolyposis colorectal neoplasms. Identifiers: MedGen C0009405, MeSH D003123.
Lynch syndrome 4 (LYNCH4). Also called: Colorectal cancer, hereditary nonpolyposis, type 4; Hereditary non-polyposis colorectal cancer, type 4. Identifiers: Orphanet 144, MedGen C1838333, MONDO:0013699, OMIM 614337. Disease mechanism: loss of function.

Allele frequency attached by ClinVar (database versions not stated): TOPMed below 0.00001; gnomAD 0.00001.
gnomAD v4.1: 1 of 1,614,074 alleles (0.000062%); highest among the groups gnomAD compares: African/African-American, 0.0013%; no homozygotes.

Submissions (5):

Ambry Genetics
Classification: Pathogenic for Hereditary cancer-predisposing syndrome. Last evaluated: 2025-11-24. Review status: criteria provided, single submitter. Criteria: Ambry Variant Classification Scheme 2023. Collection method: clinical testing. Allele origin: germline.
Comment: The p.E491* pathogenic mutation (also known as c.1471G>T), located in coding exon 11 of the PMS2 gene, results from a G to T substitution at nucleotide position 1471. This changes the amino acid from a glutamic acid to a stop codon within coding exon 11. This alteration is expected to result in loss of function by premature protein truncation or nonsense-mediated mRNA decay. As such, this alteration is interpreted as a disease-causing mutation.

Labcorp Genetics (formerly Invitae), Labcorp
Classification: Pathogenic for Hereditary nonpolyposis colorectal neoplasms. Last evaluated: 2025-05-23. Review status: criteria provided, single submitter. Criteria: Invitae Variant Classification Sherloc (09022015). Collection method: clinical testing. Allele origin: germline.
Comment: This sequence change creates a premature translational stop signal (p.Glu491*) in the PMS2 gene. It is expected to result in an absent or disrupted protein product. Loss-of-function variants in PMS2 are known to be pathogenic (PMID: 21376568, 24362816). This variant is present in population databases (no rsID available, gnomAD 0.01%). This variant has not been reported in the literature in individuals affected with PMS2-related conditions. ClinVar contains an entry for this variant (Variation ID: 486935). For these reasons, this variant has been classified as Pathogenic.

Baylor Genetics
Classification: Likely pathogenic for Lynch syndrome 4. Last evaluated: 2024-02-11. Review status: criteria provided, single submitter. Criteria: ACMG Guidelines, 2015. Collection method: clinical testing. Allele origin: unknown.

Myriad Genetics, Inc.
Classification: Pathogenic for Lynch syndrome 4. Last evaluated: 2023-09-20. Review status: criteria provided, single submitter. Criteria: Myriad Autosomal Dominant, Autosomal Recessive and X-Linked Classification Criteria (2023). Collection method: clinical testing. Allele origin: unknown.
Comment: This variant is considered pathogenic. This variant creates a termination codon and is predicted to result in premature protein truncation.

Biesecker Lab/Clinical Genomics Section, National Institutes of Health
Classification: Likely pathogenic for Lynch syndrome 4. Last evaluated: 2018-01-02. Review status: criteria provided, single submitter. Criteria: ACMG Guidelines, 2015. Collection method: curation. Allele origin: germline. Study: CSER_ClinSeq.

Literature cited by the submitters: PubMed 21376568 (cited by Labcorp Genetics (formerly Invitae), Labcorp); PubMed 24362816 (cited by Labcorp Genetics (formerly Invitae), Labcorp).

NM_000535.7(PMS2):c.1471G>T (p.Glu491Ter)

Gene: PMS2 (PMS1 homolog 2, mismatch repair system component; minus strand). Cytogenetic location: 7p22.1.
Variant type: single nucleotide variant.
Coding change: c.1471G>T on transcript NM_000535.7 (MANE Select); coding-DNA position 1471, G replaced by T.
Protein change: p.Glu491Ter; replaces glutamic acid 491 with a stop codon.
Molecular consequence: nonsense. On other transcripts: non-coding transcript variant (1).
Genome position (GRCh38, 1-based): chr7:5,987,294, C>A on the plus strand (G>T on the coding strand, the complement: PMS2 is on the minus strand). VCF-style: chr7-5987294-C-A. GRCh37 (hg19) VCF-style: chr7-6026925-C-A.
Other names: c.1066G>T, p.Glu356Ter (NM_001322003.2, NM_001322004.2, NM_001322005.2 and 1 more transcripts); c.1315G>T, p.Glu439Ter (NM_001322006.2); c.1153G>T, p.Glu385Ter (NM_001322007.2, NM_001322008.2); c.910G>T, p.Glu304Ter (NM_001322010.2); c.538G>T, p.Glu180Ter (NM_001322011.2, NM_001322012.2); c.898G>T, p.Glu300Ter (NM_001322013.2); c.1471G>T, p.Glu491Ter (NM_001322014.2); c.1162G>T, p.Glu388Ter (NM_001322015.2); short protein forms E491*, E356*, E439*, E180*, E388*, E300*, E304*, E385*.
Identifiers: ClinVar variation 486935 (VCV000486935.18), dbSNP rs1064794577, ClinGen allele CA366741867.